The following is an entry in ClinVar:

ClinVar aggregate classification (germline): Uncertain significance (1 of 4 stars; one submission).

Conditions:
Catecholaminergic polymorphic ventricular tachycardia 1. Also called: VENTRICULAR TACHYCARDIA, CATECHOLAMINERGIC POLYMORPHIC, 1, WITH OR WITHOUT ATRIAL DYSFUNCTION AND/OR DILATED CARDIOMYOPATHY; VENTRICULAR TACHYCARDIA, STRESS-INDUCED POLYMORPHIC 1; RYR2-Related Catecholaminergic Polymorphic Ventricular Tachycardia. Identifiers: Orphanet 3286, MedGen C1631597, MONDO:0011484, OMIM 604772.

Submission:

Labcorp Genetics (formerly Invitae), Labcorp
Classification: Uncertain significance for Catecholaminergic polymorphic ventricular tachycardia 1. Last evaluated: 2023-02-13. Review status: criteria provided, single submitter. Criteria: Invitae Variant Classification Sherloc (09022015). Collection method: clinical testing. Allele origin: germline.
Comment: This sequence change replaces isoleucine, which is neutral and non-polar, with methionine, which is neutral and non-polar, at codon 3306 of the RYR2 protein (p.Ile3306Met). This variant is not present in population databases (gnomAD no frequency). This variant has not been reported in the literature in individuals affected with RYR2-related conditions. Advanced modeling of protein sequence and biophysical properties (such as structural, functional, and spatial information, amino acid conservation, physicochemical variation, residue mobility, and thermodynamic stability) has been performed at Invitae for this missense variant, however the output from this modeling did not meet the statistical confidence thresholds required to predict the impact of this variant on RYR2 protein function. In summary, the available evidence is currently insufficient to determine the role of this variant in disease. Therefore, it has been classified as a Variant of Uncertain Significance.

NM_001035.3(RYR2):c.9918A>G (p.Ile3306Met)

Gene: RYR2 (ryanodine receptor 2; plus strand). Cytogenetic location: 1q43.
Variant type: single nucleotide variant.
Coding change: c.9918A>G on transcript NM_001035.3 (MANE Select); coding-DNA position 9918, A replaced by G.
Protein change: p.Ile3306Met; replaces isoleucine 3306 with methionine.
Molecular consequence: missense variant.
Genome position (GRCh38, 1-based): chr1:237,708,874, A>G. VCF-style: chr1-237708874-A-G. GRCh37 (hg19) VCF-style: chr1-237872174-A-G.
Other names: short protein forms I3306M.
Identifiers: ClinVar variation 2827573 (VCV002827573.3), dbSNP rs2547411266, ClinGen allele CA345410218.